The following is an entry in ClinVar:

ClinVar aggregate classification (germline): Uncertain significance (1 of 4 stars; one submission).

Conditions:
Intellectual developmental disorder, X-linked, syndromic, Billuart type. Also called: X-linked intellectual disability-cerebellar hypoplasia syndrome; MENTAL RETARDATION, X-LINKED 60. Identifiers: Orphanet 137831, MedGen C1845366, MONDO:0010337, OMIM 300486.

Allele frequency attached by ClinVar (database versions not stated): ExAC 0.00001.

Submission:

GeneDx
Classification: Uncertain significance. Last evaluated: 2025-02-23. Review status: criteria provided, single submitter. Criteria: GeneDx Variant Classification Process June 2021. Collection method: clinical testing. Allele origin: germline. Affected: yes.
Comment: In silico analysis supports that this missense variant has a deleterious effect on protein structure/function; Has not been previously published as pathogenic or benign to our knowledge

NM_002547.3(OPHN1):c.2231C>T (p.Pro744Leu)

Gene: OPHN1 (oligophrenin 1; minus strand). Cytogenetic location: Xq12.
Variant type: single nucleotide variant.
Coding change: c.2231C>T on transcript NM_002547.3 (MANE Select); coding-DNA position 2231, C replaced by T.
Protein change: p.Pro744Leu; replaces proline 744 with leucine.
Molecular consequence: missense variant.
Genome position (GRCh38, 1-based): chrX:68,053,738, G>A on the plus strand (C>T on the coding strand, the complement: OPHN1 is on the minus strand). VCF-style: chrX-68053738-G-A. GRCh37 (hg19) VCF-style: chrX-67273580-G-A.
Other names: short protein forms P744L.
Identifiers: ClinVar variation 1215049 (VCV001215049.5), dbSNP rs777864085, ClinGen allele CA10436763.